The following is an entry in ClinVar:

ClinVar aggregate classification (germline): Uncertain significance (1 of 4 stars; one submission).

Conditions:
Malignant hyperthermia, susceptibility to, 5 (MHS5). Also called: CACNA1S-Related Malignant Hyperthermia Susceptibility. Identifiers: Orphanet 423, MedGen C1866077, MONDO:0011163, OMIM 601887.
Hypokalemic periodic paralysis, type 1. Also called: HypoPP; Hypokalemic Periodic Paralysis Type 1 (AD). Identifiers: Orphanet 681, MedGen C3714580, MONDO:0042979, OMIM 170400.

Allele frequency attached by ClinVar (database versions not stated): gnomAD 0.00001.
gnomAD v4.1: 1 of 1,613,770 alleles (0.000062%); highest among the groups gnomAD compares: Non-Finnish European, 0.000085%; no homozygotes.

Submission:

Labcorp Genetics (formerly Invitae), Labcorp
Classification: Uncertain significance for Hypokalemic periodic paralysis, type 1; Malignant hyperthermia, susceptibility to, 5. Last evaluated: 2023-08-23. Review status: criteria provided, single submitter. Criteria: Invitae Variant Classification Sherloc (09022015). Collection method: clinical testing. Allele origin: germline.
Comment: In summary, the available evidence is currently insufficient to determine the role of this variant in disease. Therefore, it has been classified as a Variant of Uncertain Significance. Advanced modeling of protein sequence and biophysical properties (such as structural, functional, and spatial information, amino acid conservation, physicochemical variation, residue mobility, and thermodynamic stability) performed at Invitae indicates that this missense variant is not expected to disrupt CACNA1S protein function. ClinVar contains an entry for this variant (Variation ID: 574284). This variant has not been reported in the literature in individuals affected with CACNA1S-related conditions. This variant is not present in population databases (gnomAD no frequency). This sequence change replaces valine, which is neutral and non-polar, with glutamic acid, which is acidic and polar, at codon 974 of the CACNA1S protein (p.Val974Glu).

NM_000069.3(CACNA1S):c.2921T>A (p.Val974Glu)

Gene: CACNA1S (calcium voltage-gated channel subunit alpha1 S; minus strand). Cytogenetic location: 1q32.1.
Variant type: single nucleotide variant.
Coding change: c.2921T>A on transcript NM_000069.3 (MANE Select); coding-DNA position 2921, T replaced by A.
Protein change: p.Val974Glu; replaces valine 974 with glutamic acid.
Molecular consequence: missense variant.
Genome position (GRCh38, 1-based): chr1:201,062,076, A>T on the plus strand (T>A on the coding strand, the complement: CACNA1S is on the minus strand). VCF-style: chr1-201062076-A-T. GRCh37 (hg19) VCF-style: chr1-201031204-A-T.
Other names: short protein forms V974E.
Identifiers: ClinVar variation 574284 (VCV000574284.9), dbSNP rs974247677, ClinGen allele CA36007854.
Genomic context (GRCh38, chr1:201,062,076, plus strand): 5'-TCGCTGTGTACCCACTCGCGGTGACGCAGCTCTATCTGCATGGGGTCCCCGTCCTTGTAC[A>T]CGTAGTAGTAGCCCCTGTGGCAGGGAGGCCCAGTCACTCCACAGGGCATGGCTGGGCTGC-3'
Protein context (NP_000060.2, residues 964-984): TEEECRGYYY[Val974Glu]YKDGDPMQIE